The following is an entry in ClinVar:

NM_002471.4(MYH6):c.3405G>T (p.Glu1135Asp)

Gene: MYH6 (myosin heavy chain 6; minus strand). Cytogenetic location: 14q11.2.
Variant type: single nucleotide variant.
Coding change: c.3405G>T on transcript NM_002471.4 (MANE Select); coding-DNA position 3405, G replaced by T.
Protein change: p.Glu1135Asp; replaces glutamic acid 1135 with aspartic acid.
Molecular consequence: missense variant.
Genome position (GRCh38, 1-based): chr14:23,390,384, C>A on the plus strand (G>T on the coding strand, the complement: MYH6 is on the minus strand). VCF-style: chr14-23390384-C-A. GRCh37 (hg19) VCF-style: chr14-23859593-C-A.
Other names: short protein forms E1135D.
Identifiers: ClinVar variation 4860572 (VCV004860572.1).

ClinVar aggregate classification (germline): Uncertain significance (1 of 4 stars; one submission).

Conditions:
Cardiovascular phenotype. Identifiers: MedGen CN230736.

gnomAD v4.1: 2 of 1,607,426 alleles (0.00012%); highest among the groups gnomAD compares: Non-Finnish European, 0.00017%; no homozygotes.

Submission:

Ambry Genetics
Classification: Uncertain significance for Cardiovascular phenotype. Last evaluated: 2026-05-23. Review status: criteria provided, single submitter. Criteria: Ambry Variant Classification Scheme 2023. Collection method: clinical testing. Allele origin: germline.
Comment: The p.E1135D variant (also known as c.3405G>T), located in coding exon 24 of the MYH6 gene, results from a G to T substitution at nucleotide position 3405. The glutamic acid at codon 1135 is replaced by aspartic acid, an amino acid with highly similar properties. This amino acid position is conserved. In addition, the in silico prediction for this alteration is inconclusive. Based on the available evidence, the clinical significance of this variant remains unclear.